The following is an entry in ClinVar:

ClinVar aggregate classification (germline): Uncertain significance (1 of 4 stars; one submission).

Allele frequency attached by ClinVar (database versions not stated): gnomAD exomes below 0.00001; ExAC 0.00001; gnomAD 0.00001; TOPMed 0.00001.
gnomAD v4.1: 16 of 1,614,026 alleles (0.00099%); highest among the groups gnomAD compares: Admixed American, 0.0017%; no homozygotes.

Submission:

Labcorp Genetics (formerly Invitae), Labcorp
Classification: Uncertain significance. Last evaluated: 2021-06-12. Review status: criteria provided, single submitter. Criteria: Invitae Variant Classification Sherloc (09022015). Collection method: clinical testing. Allele origin: germline.
Comment: In summary, the available evidence is currently insufficient to determine the role of this variant in disease. Therefore, it has been classified as a Variant of Uncertain Significance. Algorithms developed to predict the effect of missense changes on protein structure and function are either unavailable or do not agree on the potential impact of this missense change (SIFT: "Deleterious"; PolyPhen-2: "Benign"; Align-GVGD: "Class C0"). This variant has not been reported in the literature in individuals with EFEMP1-related conditions. This variant is present in population databases (rs765057042, ExAC 0.009%). This sequence change replaces isoleucine with threonine at codon 462 of the EFEMP1 protein (p.Ile462Thr). The isoleucine residue is highly conserved and there is a moderate physicochemical difference between isoleucine and threonine.

NM_001039348.3(EFEMP1):c.1385T>C (p.Ile462Thr)

Gene: EFEMP1 (EGF-like fibulin extracellular matrix protein 1; minus strand). Cytogenetic location: 2p16.1.
Variant type: single nucleotide variant.
Coding change: c.1385T>C on transcript NM_001039348.3 (MANE Select); coding-DNA position 1385, T replaced by C.
Protein change: p.Ile462Thr; replaces isoleucine 462 with threonine.
Molecular consequence: missense variant.
Genome position (GRCh38, 1-based): chr2:55,867,170, A>G on the plus strand (T>C on the coding strand, the complement: EFEMP1 is on the minus strand). VCF-style: chr2-55867170-A-G. GRCh37 (hg19) VCF-style: chr2-56094305-A-G.
Other names: c.1385T>C, p.Ile462Thr (NM_001039349.3); short protein forms I462T.
Identifiers: ClinVar variation 1357308 (VCV001357308.8), dbSNP rs765057042, ClinGen allele CA1668688.
Genomic context (GRCh38, chr2:55,867,170, plus strand): 5'-AACACAGAGCTTGTGCGGAAGGTCCCTATACTGCTGACTGTCAGCATCTCCAGGTCCACG[A>G]TATGTTCTCTTGGTCCTGATAATGACTTCACGAGCACAAGCATTGCACTTACAGGACTTG-3'
Protein context (NP_001034437.1, residues 452-472): VKSLSGPREH[Ile462Thr]VDLEMLTVSS